The following is an entry in ClinVar:

NM_001032386.2(SUOX):c.1202A>G (p.Lys401Arg)

Gene: SUOX (sulfite oxidase; plus strand). Cytogenetic location: 12q13.2.
Variant type: single nucleotide variant.
Coding change: c.1202A>G on transcript NM_001032386.2 (MANE Select); coding-DNA position 1202, A replaced by G.
Protein change: p.Lys401Arg; replaces lysine 401 with arginine.
Molecular consequence: missense variant.
Genome position (GRCh38, 1-based): chr12:56,004,591, A>G. VCF-style: chr12-56004591-A-G. GRCh37 (hg19) VCF-style: chr12-56398375-A-G.
Other names: c.1202A>G, p.Lys401Arg (NM_000456.3, NM_001032387.2); short protein forms K401R.
Identifiers: ClinVar variation 1896569 (VCV001896569.2), dbSNP rs771413111, ClinGen allele CA6621130.

ClinVar aggregate classification (germline): Uncertain significance (1 of 4 stars; one submission).

Conditions:
Sulfite oxidase deficiency. Also called: Isolated sulfite oxidase deficiency. Identifiers: Orphanet 833, Orphanet 99731, MedGen C0268624, MONDO:0010089, OMIM 272300, HP:0003643.

Allele frequency attached by ClinVar (database versions not stated): ExAC 0.00001; gnomAD 0.00001; gnomAD exomes 0.00001.
gnomAD v4.1: 4 of 1,614,042 alleles (0.00025%); highest among the groups gnomAD compares: East Asian, 0.0045%; no homozygotes.

Submission:

Labcorp Genetics (formerly Invitae), Labcorp
Classification: Uncertain significance for Sulfite oxidase deficiency. Last evaluated: 2022-08-22. Review status: criteria provided, single submitter. Criteria: Invitae Variant Classification Sherloc (09022015). Collection method: clinical testing. Allele origin: germline.
Comment: This sequence change replaces lysine, which is basic and polar, with arginine, which is basic and polar, at codon 401 of the SUOX protein (p.Lys401Arg). This variant is present in population databases (rs771413111, gnomAD 0.006%). This variant has not been reported in the literature in individuals affected with SUOX-related conditions. Algorithms developed to predict the effect of missense changes on protein structure and function (SIFT, PolyPhen-2, Align-GVGD) all suggest that this variant is likely to be tolerated. In summary, the available evidence is currently insufficient to determine the role of this variant in disease. Therefore, it has been classified as a Variant of Uncertain Significance.